The following is an entry in ClinVar:

ClinVar aggregate classification (germline): Benign/Likely benign. Review status: criteria provided, multiple submitters, no conflicts (2 of 4 stars). 5 submissions from 5 submitters: Benign (2); Likely benign (3). Last evaluated 2026-06-01.

Conditions:
Pyridoxine-dependent epilepsy (EPEO4). Also called: Pyridoxine-Dependent Seizures; PYRIDOXINE DEPENDENCY WITH SEIZURES; Pyridoxine-Dependent Epilepsy - ALDH7A1; EPILEPSY, EARLY-ONSET, 4, VITAMIN B6-DEPENDENT. Identifiers: Orphanet 3006, MedGen C1849508, MONDO:0009945, OMIM 266100. Disease mechanism: loss of function.

Allele frequency attached by ClinVar (database versions not stated): gnomAD exomes 0.00003 and 0.00010; ExAC 0.00012; gnomAD 0.00028 and 0.00031; TOPMed 0.00028; ESP Exome Variant Server 0.00031; 1000 Genomes Project 30x 0.00094; 1000 Genomes Project 0.00100.
gnomAD v4.1: 92 of 1,614,120 alleles (0.0057%); highest among the groups gnomAD compares: African/African-American, 0.11%; no homozygotes.

Submissions (5):

CeGaT Center for Human Genetics Tuebingen
Classification: Likely benign. Last evaluated: 2026-06-01. Review status: criteria provided, single submitter. Criteria: CeGaT Center For Human Genetics Tuebingen Variant Classification Criteria Version 2. Collection method: clinical testing. Allele origin: germline. Affected: yes. Observed: 1 variant allele.
Comment: ALDH7A1: BP4, BP7

Labcorp Genetics (formerly Invitae), Labcorp
Classification: Likely benign for Pyridoxine-dependent epilepsy. Last evaluated: 2026-01-20. Review status: criteria provided, single submitter. Criteria: Invitae Variant Classification Sherloc (09022015). Collection method: clinical testing. Allele origin: germline.

Genome-Nilou Lab
Classification: Benign for Pyridoxine-dependent epilepsy. Last evaluated: 2023-04-11. Review status: criteria provided, single submitter. Criteria: ACMG Guidelines, 2015. Collection method: clinical testing. Allele origin: germline. Affected: no.

Athena Diagnostics
Classification: Likely benign. Last evaluated: 2019-01-30. Review status: criteria provided, single submitter. Criteria: Athena Diagnostics Criteria. Collection method: clinical testing. Allele origin: germline.

GeneDx
Classification: Benign. Last evaluated: 2014-12-02. Review status: criteria provided, single submitter. Criteria: GeneDx Variant Classification (06012015). Collection method: clinical testing. Allele origin: germline. Affected: yes.
Comment: This variant is considered likely benign or benign based on one or more of the following criteria: it is a conservative change, it occurs at a poorly conserved position in the protein, it is predicted to be benign by multiple in silico algorithms, and/or has population frequency not consistent with disease.

NM_001182.5(ALDH7A1):c.858G>A (p.Val286=)

Gene: ALDH7A1 (aldehyde dehydrogenase 7 family member A1; minus strand). Cytogenetic location: 5q23.2.
Variant type: single nucleotide variant.
Coding change: c.858G>A on transcript NM_001182.5 (MANE Select); coding-DNA position 858, G replaced by A.
Protein change: p.Val286=; no amino-acid change (valine 286 retained).
Molecular consequence: synonymous variant.
Genome position (GRCh38, 1-based): chr5:126,568,272, C>T on the plus strand (G>A on the coding strand, the complement: ALDH7A1 is on the minus strand). VCF-style: chr5-126568272-C-T. GRCh37 (hg19) VCF-style: chr5-125903964-C-T.
Other names: p.V286V:GTG>GTA; c.774G>A, p.Val258= (NM_001201377.2); c.858G>A, p.Val286= (NM_001202404.2).
Identifiers: ClinVar variation 204820 (VCV000204820.15), dbSNP rs150623275, ClinGen allele CA313149.